The following is an entry in ClinVar:

NM_020987.5(ANK3):c.11156G>A (p.Arg3719His)

Gene: ANK3 (ankyrin 3; minus strand). Cytogenetic location: 10q21.2.
Variant type: single nucleotide variant.
Coding change: c.11156G>A on transcript NM_020987.5 (MANE Select); coding-DNA position 11156, G replaced by A.
Protein change: p.Arg3719His; replaces arginine 3719 with histidine.
Molecular consequence: missense variant. On other transcripts: intron variant (4).
Genome position (GRCh38, 1-based): chr10:60,069,725, C>T on the plus strand (G>A on the coding strand, the complement: ANK3 is on the minus strand). VCF-style: chr10-60069725-C-T. GRCh37 (hg19) VCF-style: chr10-61829483-C-T.
Other names: c.4388-1716G>A (NM_001204403.2); c.4409-1716G>A (NM_001204404.2); c.4406-1716G>A (NM_001320874.2); c.1808-1716G>A (NM_001149.4); short protein forms R3719H.
Identifiers: ClinVar variation 3612380 (VCV003612380.9).

ClinVar aggregate classification (germline): Uncertain significance. Review status: criteria provided, multiple submitters, no conflicts (2 of 4 stars). 2 submissions from 2 submitters: Uncertain significance (2). Last evaluated 2025-03-01.

gnomAD v4.1: 59 of 1,613,476 alleles (0.0037%); highest among the groups gnomAD compares: Non-Finnish European, 0.0041%; no homozygotes.

Submissions (2):

CeGaT Center for Human Genetics Tuebingen
Classification: Uncertain significance. Last evaluated: 2025-03-01. Review status: criteria provided, single submitter. Criteria: CeGaT Center For Human Genetics Tuebingen Variant Classification Criteria Version 2. Collection method: clinical testing. Allele origin: germline. Affected: yes. Observed: 1 variant allele.
Comment: ANK3: PM2:Supporting

Labcorp Genetics (formerly Invitae), Labcorp
Classification: Uncertain significance. Last evaluated: 2024-03-22. Review status: criteria provided, single submitter. Criteria: Invitae Variant Classification Sherloc (09022015). Collection method: clinical testing. Allele origin: germline.
Comment: This sequence change replaces arginine, which is basic and polar, with histidine, which is basic and polar, at codon 3719 of the ANK3 protein (p.Arg3719His). This variant is present in population databases (rs748061808, gnomAD 0.003%). This variant has not been reported in the literature in individuals affected with ANK3-related conditions. An algorithm developed to predict the effect of missense changes on protein structure and function (PolyPhen-2) suggests that this variant is likely to be disruptive. In summary, the available evidence is currently insufficient to determine the role of this variant in disease. Therefore, it has been classified as a Variant of Uncertain Significance.